The following is an entry in ClinVar:

ClinVar aggregate classification (germline): Pathogenic. Review status: reviewed by expert panel (3 of 4 stars). 5 submissions from 5 submitters: Pathogenic (1). 4 of the submissions do not count toward it. Last evaluated 2026-11-22.

Conditions:
Von Hippel-Lindau syndrome (VHLS). Also called: von Hippel–Lindau syndrome; VHL syndrome; Von Hippel-Lindau. Identifiers: Orphanet 892, MedGen C0019562, MONDO:0008667, OMIM 193300. Disease mechanism: loss of function.
Chuvash polycythemia. Also called: POLYCYTHEMIA, VHL-DEPENDENT. Identifiers: Orphanet 238557, MedGen C1837915, MONDO:0009892, OMIM 263400.

Submissions (5):

ClinGen VHL Variant Curation Expert Panel, ClinGen
Classification: Pathogenic for Von Hippel-Lindau syndrome. Last evaluated: 2026-11-22. Review status: reviewed by expert panel. Criteria: ClinGen VHL ACMG Specifications VHL V1.1.0. Collection method: curation. Allele origin: germline. Inheritance: Autosomal dominant inheritance.
Comment: The NM_000551.4:c.334T>A (rs104893824) variant in VHL, in exon 1 of 3, is a missense variant predicted to cause substitution of Tyr by Asn at amino acid 112 (p.Tyr112Asn). The allele frequency in gnomAD v4.1 is absent, meeting PM2_Supporting. In-silico analysis produced a REVEL score of 0.915 (SIFT: Deleterious, PolyPhen: D), ≥ 0.664 VHL VCEP cutoff, meeting PP3_Supporting. Functional studies using MAVE/SGE assay data (Buckley et al., Nat Genet 2024; via MaveDB (Rubin AF et al., MaveDB 2024, Genome Biol 2025;26:13); MaveDB: urn:mavedb:00000675-a-1) produced a score of -2.340 (q=0.000), indicating loss of function (PS3_Moderate). This variant resides within a VHL mutational hotspot or critical functional domain (PM1). The variant has been reported in PMID: 10761708; as well as in 1 large family with Von-Hippel Lindau disease (PMID: 10533030). Clinical manifestations consistent with VHL were found in 13 members of this family and all 5 affected family members who were genetically tested were positive for the variant. The other affected individuals were unavailable for testing or died before testing could be completed. Interestingly, 3 family members tested positive without clinical manifestations, but may be too young to present with features. Clinical manifestations in this family included: CNS hemangioblastoma, renal cell carcinoma (7/13 members), retinal hemangioblastoma, renal cysts, and pheochromocytoma; PS4, PP1. Finally, another missense variant affecting the same residue but resulting in a different amino acid substitution, p.Y112H (c.334T>C) has been established as pathogenic using VHL VCEP specifications. In summary, this variant meets the criteria to be classified as Pathogenic for autosomal-dominant von Hippel Lindau syndrome (VHL syndrome) based on the ACMG/AMP criteria applied, as specified by the ClinGen VHL VCEP Version 1.1.0 (Specifications approval date: 1/10/2025. Variant Approval Date 11/22/2026).

Labcorp Genetics (formerly Invitae), Labcorp
Classification: Pathogenic for Von Hippel-Lindau syndrome; Chuvash polycythemia. Last evaluated: 2024-10-15. Review status: criteria provided, single submitter. Criteria: Invitae Variant Classification Sherloc (09022015). Collection method: clinical testing. Allele origin: germline. Not counted in ClinVar's aggregate classification.
Comment: This sequence change replaces tyrosine, which is neutral and polar, with asparagine, which is neutral and polar, at codon 112 of the VHL protein (p.Tyr112Asn). This variant is not present in population databases (gnomAD no frequency). This missense change has been observed in individual(s) with VHL-related conditions (PMID: 10533030). It has also been observed to segregate with disease in related individuals. ClinVar contains an entry for this variant (Variation ID: 2228). Invitae Evidence Modeling of protein sequence and biophysical properties (such as structural, functional, and spatial information, amino acid conservation, physicochemical variation, residue mobility, and thermodynamic stability) indicates that this missense variant is expected to disrupt VHL protein function with a positive predictive value of 95%. Experimental studies are conflicting or provide insufficient evidence to determine the effect of this variant on VHL function (PMID: 19602254). This variant disrupts the p.Tyr112 amino acid residue in VHL. Other variant(s) that disrupt this residue have been determined to be pathogenic (PMID: 7728151, 8863170, 21204227). This suggests that this residue is clinically significant, and that variants that disrupt this residue are likely to be disease-causing. For these reasons, this variant has been classified as Pathogenic.

Genomic Diagnostic Laboratory, Division of Genomic Diagnostics, Children's Hospital of Philadelphia
Classification: Pathogenic for von Hippel-Lindau syndrome. Last evaluated: 2018-08-01. Review status: criteria provided, single submitter. Criteria: DGD Variant Analysis Guidelines. Collection method: clinical testing. Allele origin: germline. Affected: yes. Observed: 1 variant allele. Not counted in ClinVar's aggregate classification.

Women's Health and Genetics/Laboratory Corporation of America, LabCorp
Classification: Pathogenic for Von Hippel-Lindau syndrome. Last evaluated: 2016-02-03. Review status: criteria provided, single submitter. Criteria: LabCorp Variant Classification Summary - May 2015. Collection method: clinical testing. Allele origin: germline. Not counted in ClinVar's aggregate classification.
Comment: Variant summary: c.334T>A affects a conserved nucleotide, resulting in amino acid change from Tyr to Asn. 4/4 in-silico tools predict this variant to be damaging. This variant was not found in 91896 control chromosomes. This variant has been reported in multiple VHL pts with clear co-segregation of the variant with disease in the families (Bradley_1999 and Yoshida_2000). Functional studies showed that cell lines with variant have increased level of HIF2alpha (the critical oncogenic pVHL substrate in renal carcinogenesis) and its targets, the Y112N-producing cells formed large tumors (Li_2007), and the cell lines with variant showed disorganized fibroblast-like morphology and higher level of alpha5 integrin (Bangiyeva_2009). OMIM (also via ClinVar) lists this variant with classification of pathogenic. Taken together, this variant was classified as a Pathogenic.

OMIM
Classification: Pathogenic for VON HIPPEL-LINDAU SYNDROME. Last evaluated: 1999-11-19. Review status: no assertion criteria provided. Collection method: literature only. Allele origin: germline. Not counted in ClinVar's aggregate classification.

Literature cited by the submitters: PubMed 10533030 (cited by 3 submitters); PubMed 19602254 (cited by Labcorp Genetics (formerly Invitae), Labcorp and Women's Health and Genetics/Laboratory Corporation of America, LabCorp); PubMed 7728151 (cited by Labcorp Genetics (formerly Invitae), Labcorp); PubMed 8863170 (cited by Labcorp Genetics (formerly Invitae), Labcorp and OMIM); PubMed 21204227 (cited by Labcorp Genetics (formerly Invitae), Labcorp); PubMed 10761708 (cited by Women's Health and Genetics/Laboratory Corporation of America, LabCorp); PubMed 17526729 (cited by Women's Health and Genetics/Laboratory Corporation of America, LabCorp).

NM_000551.4(VHL):c.334T>A (p.Tyr112Asn)

Gene: VHL (von Hippel-Lindau tumor suppressor; plus strand). Cytogenetic location: 3p25.3.
Variant type: single nucleotide variant.
Coding change: c.334T>A on transcript NM_000551.4 (MANE Select); coding-DNA position 334, T replaced by A.
Protein change: p.Tyr112Asn; replaces tyrosine 112 with asparagine.
Molecular consequence: missense variant.
Genome position (GRCh38, 1-based): chr3:10,142,181, T>A. VCF-style: chr3-10142181-T-A. GRCh37 (hg19) VCF-style: chr3-10183865-T-A.
Other names: NM_000551.4(VHL):c.334T>A; c.334T>A, p.Tyr112Asn (NM_001354723.2, NM_198156.3); short protein forms Y112N.
Identifiers: ClinVar variation 2228 (VCV000002228.6), dbSNP rs104893824, ClinGen allele CA020273.
Genomic context (GRCh38, chr3:10,142,181, plus strand): 5'-GACGGCGAGCCGCAGCCCTACCCAACGCTGCCGCCTGGCACGGGCCGCCGCATCCACAGC[T>A]ACCGAGGTACGGGCCCGGCGCTTAGGCCCGACCCAGCAGGGACGATAGCACGGTCTGAAG-3'
Protein context (NP_000542.1, residues 102-122): PPGTGRRIHS[Tyr112Asn]RGHLWLFRDA